The following is an entry in ClinVar:

ClinVar aggregate classification (germline): Likely pathogenic (1 of 4 stars; one submission).

Conditions:
Inborn genetic diseases. Identifiers: MedGen C0950123, MeSH D030342.

Submission:

Ambry Genetics
Classification: Likely pathogenic for Inborn genetic diseases. Last evaluated: 2021-03-03. Review status: criteria provided, single submitter. Criteria: Ambry Variant Classification Scheme 2023. Collection method: clinical testing. Allele origin: germline.
Comment: This region is excluded from other biologically relevant transcripts Based on the available evidence, this alteration is classified as likely pathogenic.

NM_003477.3(PDHX):c.1305dup (p.Gln436fs)

Gene: PDHX (pyruvate dehydrogenase complex component X; plus strand). Cytogenetic location: 11p13.
Variant type: Duplication.
Coding change: c.1305dup on transcript NM_003477.3 (MANE Select); coding-DNA position 1305, one base duplicated (T; older notation c.1305dupT).
Protein change: p.Gln436fs; shifts the reading frame from glutamine 436.
Molecular consequence: frameshift variant.
Genome position (GRCh38, 1-based): chr11:34,994,971, T duplicated. VCF-style (leftmost placement, unchanged base first): chr11-34994970-C-CT. GRCh37 (hg19) VCF-style: chr11-35016517-C-CT.
Other names: c.1125dup, p.Gln376fs (NM_001135024.2); c.624dup, p.Gln209fs (NM_001166158.2); short protein forms Q209fs, Q376fs, Q436fs.
Identifiers: ClinVar variation 2229226 (VCV002229226.2), dbSNP rs2494783688, ClinGen allele CA2580084084.
Genomic context (GRCh38, chr11:34,994,970, plus strand): 5'-CTAGTATTTCCAACTTGGGGATGTTTGGCATCGACGAATTTACTGCAGTGATTAACCCTC[C>CT]TCAGGCCTGCATTTTGGCGGTTGGGAGGTTCCGACCTGTGCTGAAGCTCACTGAGGATGA-3'